The following is an entry in ClinVar:

NM_138576.4(BCL11B):c.1652G>T (p.Arg551Leu)

Gene: BCL11B (BCL11 transcription factor B; minus strand). Cytogenetic location: 14q32.2.
Variant type: single nucleotide variant.
Coding change: c.1652G>T on transcript NM_138576.4 (MANE Select); coding-DNA position 1652, G replaced by T.
Protein change: p.Arg551Leu; replaces arginine 551 with leucine.
Molecular consequence: missense variant.
Genome position (GRCh38, 1-based): chr14:99,175,184, C>A on the plus strand (G>T on the coding strand, the complement: BCL11B is on the minus strand). VCF-style: chr14-99175184-C-A. GRCh37 (hg19) VCF-style: chr14-99641521-C-A.
Other names: c.1649G>T, p.Arg550Leu (NM_001282237.2); c.1436G>T, p.Arg479Leu (NM_001282238.2); c.1439G>T, p.Arg480Leu (NM_022898.3); short protein forms R479L, R480L, R550L, R551L.
Identifiers: ClinVar variation 3765630 (VCV003765630.1).

ClinVar aggregate classification (germline): Uncertain significance (1 of 4 stars; one submission).

Submission:

Greenwood Genetic Center Diagnostic Laboratories, Greenwood Genetic Center
Classification: Uncertain significance. Last evaluated: 2024-09-04. Review status: criteria provided, single submitter. Criteria: ACMG Guidelines, 2015. Collection method: clinical testing. Allele origin: germline. Affected: yes.
Comment: PM2, BP4